The following is an entry in ClinVar:

ClinVar aggregate classification (germline): Likely benign (1 of 4 stars; one submission).

Conditions:
POLR2C-related condition.

gnomAD v4.1: 520 of 1,614,110 alleles (0.032%); highest among the groups gnomAD compares: African/African-American, 0.19%; 2 homozygotes.

Submissions (8):

PreventionGenetics, part of Exact Sciences
Classification: Likely benign for POLR2C-related condition. Last evaluated: 2025-04-23. Review status: criteria provided, single submitter. Criteria: ACMG Guidelines, 2015. Collection method: clinical testing. Allele origin: germline.
Comment: This variant is classified as likely benign based on ACMG/AMP sequence variant interpretation guidelines (Richards et al. 2015 PMID: 25741868, with internal and published modifications).

Dr. Peter K. Rogan Lab, Western University
No classification provided (evidence only). Condition: Clear cell carcinoma of kidney. Review status: no classification provided. Collection method: in vitro. Allele origin: not applicable. Functional consequence: retained intron. Not counted in ClinVar's aggregate classification.

Dr. Peter K. Rogan Lab, Western University
No classification provided (evidence only). Condition: Lung cancer. Review status: no classification provided. Collection method: in vitro. Allele origin: not applicable. Functional consequence: retained intron. Not counted in ClinVar's aggregate classification.

Dr. Peter K. Rogan Lab, Western University
No classification provided (evidence only). Condition: Lung cancer. Review status: no classification provided. Collection method: in vitro. Allele origin: not applicable. Functional consequence: skipped exon, retained intron. Not counted in ClinVar's aggregate classification.

Dr. Peter K. Rogan Lab, Western University
No classification provided (evidence only). Condition: Familial cancer of breast. Review status: no classification provided. Collection method: in vitro. Allele origin: not applicable. Functional consequence: retained intron. Not counted in ClinVar's aggregate classification.

Dr. Peter K. Rogan Lab, Western University
No classification provided (evidence only). Condition: Uterine corpus endometrial carcinoma. Review status: no classification provided. Collection method: in vitro. Allele origin: not applicable. Functional consequence: retained intron. Not counted in ClinVar's aggregate classification.

Dr. Peter K. Rogan Lab, Western University
No classification provided (evidence only). Condition: Gastric cancer. Review status: no classification provided. Collection method: in vitro. Allele origin: not applicable. Functional consequence: retained intron. Not counted in ClinVar's aggregate classification.

Dr. Peter K. Rogan Lab, Western University
No classification provided (evidence only). Condition: Gastric cancer. Review status: no classification provided. Collection method: in vitro. Allele origin: not applicable. Functional consequence: retained intron. Not counted in ClinVar's aggregate classification.

NM_032940.3(POLR2C):c.387G>A (p.Pro129=)

Gene: POLR2C (RNA polymerase II subunit C; plus strand). Cytogenetic location: 16q21.
Variant type: single nucleotide variant.
Coding change: c.387G>A on transcript NM_032940.3 (MANE Select); coding-DNA position 387, G replaced by A.
Protein change: p.Pro129=; no amino-acid change (proline 129 retained).
Molecular consequence: synonymous variant.
Genome position (GRCh38, 1-based): chr16:57,469,293, G>A. VCF-style: chr16-57469293-G-A. GRCh37 (hg19) VCF-style: chr16-57503205-G-A.
Other names: NC_000016.9:g.57503205G>A; c.387G>A (NM_032940.2).
Identifiers: ClinVar variation 4413313 (VCV004413313.2).